The following is an entry in ClinVar:

ClinVar aggregate classification (germline): Uncertain significance (1 of 4 stars; one submission).

Conditions:
ATM-related cancer predisposition. Also called: ATM-related cancer susceptibility. Identifiers: MedGen CN377759, MONDO:0700270.

Submission:

Dasa
Classification: Uncertain significance for ATM-related cancer predisposition. Last evaluated: 2025-07-24. Review status: criteria provided, single submitter. Criteria: DASA Assertion Criteria. Collection method: clinical testing. Allele origin: germline.
Comment: NM_000051.4(ATM):c.7981G>A (p.Asp2661Asn) is a missense variant that results in the substitution of aspartic acid with asparagine. This variant is absent from population databases. Computational prediction algorithms are consistent with a benign effect. The currently available literature and clinical evidence are not sufficient to establish a definitive association between this variant and the reported condition. Therefore, this variant is classified as a variant of uncertain significance.

NM_000051.4(ATM):c.7981G>A (p.Asp2661Asn)

Genes: ATM (ATM serine/threonine kinase; plus strand), C11orf65 (chromosome 11 open reading frame 65; minus strand). Cytogenetic location: 11q22.3.
Variant type: single nucleotide variant.
Coding change: c.7981G>A on transcript NM_000051.4 (MANE Select); coding-DNA position 7981, G replaced by A.
Protein change: p.Asp2661Asn; replaces aspartic acid 2661 with asparagine.
Molecular consequence: missense variant. On other transcripts: intron variant (2).
Genome position (GRCh38, 1-based): chr11:108,333,939, G>A. VCF-style: chr11-108333939-G-A. GRCh37 (hg19) VCF-style: chr11-108204666-G-A.
Other names: c.7981G>A, p.Asp2661Asn (NM_001351834.2); c.641-24868C>T (NM_001330368.2); c.*38+1281C>T (NM_001351110.2); short protein forms D2661N.
Identifiers: ClinVar variation 4882718 (VCV004882718.2).